The following is an entry in ClinVar:

NM_024494.3(WNT2B):c.887G>A (p.Arg296Gln)

Gene: WNT2B (Wnt family member 2B; plus strand). Cytogenetic location: 1p13.2.
Variant type: single nucleotide variant.
Coding change: c.887G>A on transcript NM_024494.3 (MANE Select); coding-DNA position 887, G replaced by A.
Protein change: p.Arg296Gln; replaces arginine 296 with glutamine.
Molecular consequence: missense variant.
Genome position (GRCh38, 1-based): chr1:112,517,326, G>A. VCF-style: chr1-112517326-G-A. GRCh37 (hg19) VCF-style: chr1-113059948-G-A.
Other names: c.611G>A, p.Arg204Gln (NM_001291880.1); c.830G>A, p.Arg277Gln (NM_004185.4); short protein forms R296Q, R204Q, R277Q.
Identifiers: ClinVar variation 4990237 (VCV004990237.1).
Genomic context (GRCh38, chr1:112,517,326, plus strand): 5'-TGGCCACCCAAGATGGTGCCAACTTCACCGCAGCCCGCCAAGGCTATCGCCGTGCCACCC[G>A]GACTGATCTTGTCTACTTTGACAACTCTCCAGATTACTGTGTCTTGGACAAGGCTGCAGG-3'
Protein context (NP_078613.1, residues 286-306): AARQGYRRAT[Arg296Gln]TDLVYFDNSP

ClinVar aggregate classification (germline): Uncertain significance (1 of 4 stars; one submission).

Conditions:
WNT2B-related disorder. Also called: WNT2B-related condition.

gnomAD v4.1: 39 of 1,613,606 alleles (0.0024%); highest among the groups gnomAD compares: Middle Eastern, 0.049%; no homozygotes.

Submission:

PreventionGenetics, part of Exact Sciences
Classification: Uncertain significance for WNT2B-related condition. Last evaluated: 2026-04-02. Review status: criteria provided, single submitter. Criteria: ACMG Guidelines, 2015. Collection method: clinical testing. Allele origin: germline.
Comment: The WNT2B c.887G>A variant is predicted to result in the amino acid substitution p.Arg296Gln. To our knowledge, this variant has not been reported in the literature. This variant is reported in 0.0065% of alleles in individuals of South Asian descent in gnomAD. At this time, the clinical significance of this variant is uncertain due to the absence of conclusive functional and genetic evidence.